The following is an entry in ClinVar:

NM_133497.4(KCNV2):c.560_575del (p.Tyr187fs)

Gene: KCNV2 (potassium voltage-gated channel modifier subfamily V member 2; plus strand). Cytogenetic location: 9p24.2.
Variant type: Deletion.
Coding change: c.560_575del on transcript NM_133497.4 (MANE Select); coding-DNA positions 560 to 575, 16 bases deleted (ACTGGGGCGTGCGGCT).
Protein change: p.Tyr187fs; shifts the reading frame from tyrosine 187.
Molecular consequence: frameshift variant.
Genome position (GRCh38, 1-based): chr9:2,718,299-2,718,314, ACTGGGGCGTGCGGCT deleted; deleting any 16 consecutive bases within chr9:2,718,295-2,718,314 gives the same sequence; the c. name uses the placement nearest the transcript's 3' end. VCF-style (leftmost placement, unchanged base first): chr9-2718294-GGGCTACTGGGGCGTGC-G. GRCh37 (hg19) VCF-style: chr9-2718294-GGGCTACTGGGGCGTGC-G.
Other names: short protein forms Y187fs.
Identifiers: ClinVar variation 4902458 (VCV004902458.2).

ClinVar aggregate classification (germline): Pathogenic/Likely pathogenic. Review status: criteria provided, multiple submitters, no conflicts (2 of 4 stars). 2 submissions from 2 submitters: Pathogenic (1); Likely pathogenic (1). Last evaluated 2026-09-14.

Conditions:
KCNV2-related disorder. Also called: KCNV2-related condition.
Retinal disorder. Also called: Retinopathy; Retinopathies; Retinal Diseases; Retinal disorders. Identifiers: MedGen C0035309, MONDO:0005283, HP:0000488.

Submissions (2):

Genetics Laboratory, Great Ormond Street Hospital NHS Foundation Trust, North Thames Genomic Laboratory Hub
Classification: Pathogenic for Retinal disorders. Last evaluated: 2026-09-14. Review status: criteria provided, single submitter. Criteria: ACGS Best Practice Guidelines for Variant Classification in Rare Disease 2024 v1.2. Collection method: clinical testing. Allele origin: germline. Affected: yes.
Comment: PM2_moderate, PVS1_very-strong

Blueprint Genetics
Classification: Likely pathogenic for KCNV2-related disorders. Last evaluated: 2023-10-16. Review status: criteria provided, single submitter. Criteria: ACMG Guidelines, 2015. Collection method: clinical testing. Allele origin: germline. Affected: yes. Observed: 2 variant alleles.